The following is an entry in ClinVar:

ClinVar aggregate classification (germline): Uncertain significance (1 of 4 stars; one submission).

Conditions:
Familial dysautonomia. Also called: FD; HSAN III. Identifiers: Orphanet 1764, MedGen C0013364, MONDO:0009131, OMIM 223900. Disease mechanism: loss of function.

Submission:

Myriad Genetics, Inc.
Classification: Uncertain significance for Familial dysautonomia. Last evaluated: 2025-07-30. Review status: criteria provided, single submitter. Criteria: Myriad Autosomal Dominant, Autosomal Recessive and X-Linked Classification Criteria (2023). Collection method: clinical testing. Allele origin: unknown.
Comment: NM_003640.3(ELP1):c.2761_2763delCTT(L921del) is an in-frame deletion classified as a variant of uncertain significance in the context of familial dysautonomia. L921del has not been observed in cases with relevant disease. Relevant functional assessments of this variant are not available in the literature. L921del has not been observed in referenced population frequency databases. In summary, there is insufficient evidence to classify NM_003640.3(ELP1):c.2761_2763delCTT(L921del) as pathogenic or benign. Please note: this variant was assessed in the context of healthy population screening.

NM_003640.5(ELP1):c.2761_2763del (p.Leu921del)

Gene: ELP1 (elongator acetyltransferase complex subunit 1; minus strand). Cytogenetic location: 9q31.3.
Variant type: Deletion.
Coding change: c.2761_2763del on transcript NM_003640.5 (MANE Select); coding-DNA positions 2761 to 2763, 3 bases deleted (CTT; older notation c.2761_2763delCTT).
Protein change: p.Leu921del; deletes leucine 921.
Molecular consequence: inframe deletion.
Genome position (GRCh38, 1-based): chr9:108,894,040-108,894,042, AAG deleted on the plus strand (CTT on the coding strand, the reverse complement: ELP1 is on the minus strand); deleting any 3 consecutive bases within chr9:108,894,040-108,894,044 gives the same sequence; the c. name uses the placement nearest the transcript's 3' end. VCF-style (leftmost placement, unchanged base first): chr9-108894039-TAAG-T. GRCh37 (hg19) VCF-style: chr9-111656319-TAAG-T.
Other names: c.2419_2421del, p.Leu807del (NM_001318360.2); c.1714_1716del, p.Leu572del (NM_001330749.2); short protein forms L572del, L807del, L921del.
Identifiers: ClinVar variation 5004094 (VCV005004094.1).